The following is an entry in ClinVar:

ClinVar aggregate classification (germline): Uncertain significance (1 of 4 stars; one submission).

Conditions:
Malignant hyperthermia, susceptibility to, 5 (MHS5). Also called: CACNA1S-Related Malignant Hyperthermia Susceptibility. Identifiers: Orphanet 423, MedGen C1866077, MONDO:0011163, OMIM 601887.

Submission:

Color Diagnostics, LLC DBA Color Health
Classification: Uncertain significance for Malignant hyperthermia, susceptibility to, 5. Last evaluated: 2025-09-10. Review status: criteria provided, single submitter. Criteria: ACMG Guidelines, 2015. Collection method: clinical testing. Allele origin: germline.
Comment: This variant causes A to T substitution at the -12 position in intron 5 of the CACNA1S gene. Splice site prediction tools suggest that this variant may have a significant impact on RNA splicing. Although this prediction has not been confirmed in published RNA studies, this variant is expected to result in an absent or disrupted protein product. This variant has not been reported in individuals affected with CACNA1S-related disorders in the literature. This variant has not been identified in the general population by the Genome Aggregation Database (gnomAD). Loss of CACNA1S gene function due to haploinsufficiency is not an established disease mechanism for autosomal dominant malignant hyperthermia susceptibility. Therefore, this variant is classified as a Variant of Uncertain Significance.

NM_000069.3(CACNA1S):c.695-2A>T

Gene: CACNA1S (calcium voltage-gated channel subunit alpha1 S; minus strand). Cytogenetic location: 1q32.1.
Variant type: single nucleotide variant.
Coding change: c.695-2A>T on transcript NM_000069.3 (MANE Select); the canonical splice acceptor site of the intron before coding-DNA position 695, A replaced by T.
Molecular consequence: splice acceptor variant.
Genome position (GRCh38, 1-based): chr1:201,089,465, T>A on the plus strand (A>T on the coding strand, the complement: CACNA1S is on the minus strand). VCF-style: chr1-201089465-T-A. GRCh37 (hg19) VCF-style: chr1-201058593-T-A.
Identifiers: ClinVar variation 4757966 (VCV004757966.1).